The following is an entry in ClinVar:

ClinVar aggregate classification (germline): Likely benign (1 of 4 stars; one submission).

Submission:

CeGaT Center for Human Genetics Tuebingen
Classification: Likely benign. Last evaluated: 2026-08-01. Review status: criteria provided, single submitter. Criteria: CeGaT Center For Human Genetics Tuebingen Variant Classification Criteria Version 2. Collection method: clinical testing. Allele origin: germline. Affected: yes. Observed: 1 variant allele.
Comment: SCARF2: PM2:Supporting, BP4, BP7

NM_182895.5(SCARF2):c.12A>G (p.Ala4=)

Gene: SCARF2 (scavenger receptor class F member 2; minus strand). Cytogenetic location: 22q11.21.
Variant type: single nucleotide variant.
Coding change: c.12A>G on transcript NM_182895.5 (MANE Select); coding-DNA position 12, A replaced by G.
Protein change: p.Ala4=; no amino-acid change (alanine 4 retained).
Molecular consequence: synonymous variant.
Genome position (GRCh38, 1-based): chr22:20,437,743, T>C on the plus strand (A>G on the coding strand, the complement: SCARF2 is on the minus strand). VCF-style: chr22-20437743-T-C. GRCh37 (hg19) VCF-style: chr22-20792030-T-C.
Other names: c.12A>G, p.Ala4= (NM_153334.7).
Identifiers: ClinVar variation 5039125 (VCV005039125.1).